The following is an entry in ClinVar:

ClinVar aggregate classification (germline): Uncertain significance (1 of 4 stars; one submission).

Conditions:
Mendelian susceptibility to mycobacterial diseases due to complete IL12B deficiency. Also called: IL12B DEFICIENCY; Immunodeficiency 29. Identifiers: Orphanet 319558, MedGen C4013948, MONDO:0013954, OMIM 614890.

Allele frequency attached by ClinVar (database versions not stated): TOPMed 0.00001.
gnomAD v4.1: 1 of 1,614,080 alleles (0.000062%); highest among the groups gnomAD compares: African/African-American, 0.0013%; no homozygotes.

Submission:

Labcorp Genetics (formerly Invitae), Labcorp
Classification: Uncertain significance for Mendelian susceptibility to mycobacterial diseases due to complete IL12B deficiency. Last evaluated: 2022-02-24. Review status: criteria provided, single submitter. Criteria: Invitae Variant Classification Sherloc (09022015). Collection method: clinical testing. Allele origin: germline.
Comment: This variant is not present in population databases (gnomAD no frequency). In summary, the available evidence is currently insufficient to determine the role of this variant in disease. Therefore, it has been classified as a Variant of Uncertain Significance. This variant has not been reported in the literature in individuals affected with IL12B-related conditions. ClinVar contains an entry for this variant (Variation ID: 649924). Algorithms developed to predict the effect of missense changes on protein structure and function (SIFT, PolyPhen-2, Align-GVGD) all suggest that this variant is likely to be tolerated. This sequence change replaces threonine, which is neutral and polar, with isoleucine, which is neutral and non-polar, at codon 294 of the IL12B protein (p.Thr294Ile).

NM_002187.3(IL12B):c.881C>T (p.Thr294Ile)

Gene: IL12B (interleukin 12B; minus strand). Cytogenetic location: 5q33.3.
Variant type: single nucleotide variant.
Coding change: c.881C>T on transcript NM_002187.3 (MANE Select); coding-DNA position 881, C replaced by T.
Protein change: p.Thr294Ile; replaces threonine 294 with isoleucine.
Molecular consequence: missense variant.
Genome position (GRCh38, 1-based): chr5:159,316,791, G>A on the plus strand (C>T on the coding strand, the complement: IL12B is on the minus strand). VCF-style: chr5-159316791-G-A. GRCh37 (hg19) VCF-style: chr5-158743799-G-A.
Other names: short protein forms T294I.
Identifiers: ClinVar variation 649924 (VCV000649924.8), dbSNP rs757678113, ClinGen allele CA362029731.
Genomic context (GRCh38, chr5:159,316,791, plus strand): 5'-TAGCGGTCCTGGGCCCGCACGCTAATGCTGGCATTTTTGCGGCAGATGACCGTGGCTGAG[G>A]TCTTGTCCGTGAAGACTCTATCTTTCTGCAAAAGAGAAGGAAAGCTGTGAAGACCCCTTG-3'
Protein context (NP_002178.2, residues 284-304): EKKDRVFTDK[Thr294Ile]SATVICRKNA